The following is an entry in ClinVar:

ClinVar aggregate classification (germline): Conflicting classifications of pathogenicity. Review status: criteria provided, conflicting classifications (1 of 4 stars). 4 submissions from 4 submitters: Uncertain significance (1); Likely benign (2). 1 of the submissions does not count toward it. Last evaluated 2026-01-30.

Conditions:
Charcot-Marie-Tooth disease type 2. Also called: Charcot-Marie-Tooth type 2. Identifiers: Orphanet 64746, MedGen C0270914, MONDO:0018993.
KIF1B-related disorder. Also called: KIF1B-related condition.
Charcot-Marie-Tooth disease. Also called: Charcot-Marie-Tooth Neuropathy; Charcot-Marie-Tooth Hereditary Neuropathy. Identifiers: Orphanet 166, MedGen C0007959, MONDO:0015626.

Allele frequency attached by ClinVar (database versions not stated): ESP Exome Variant Server 0.00031; gnomAD exomes 0.00010 and 0.00021; gnomAD 0.00033 and 0.00037; ExAC 0.00010; TOPMed 0.00046.
gnomAD v4.1: 205 of 1,614,038 alleles (0.013%); highest among the groups gnomAD compares: Admixed American, 0.14%; no homozygotes.

Submissions (4):

Labcorp Genetics (formerly Invitae), Labcorp
Classification: Likely benign for Charcot-Marie-Tooth disease type 2. Last evaluated: 2026-01-30. Review status: criteria provided, single submitter. Criteria: Invitae Variant Classification Sherloc (09022015). Collection method: clinical testing. Allele origin: germline.

Ambry Genetics
Classification: Likely benign. Last evaluated: 2020-08-13. Review status: criteria provided, single submitter. Criteria: Ambry Variant Classification Scheme 2023. Collection method: clinical testing. Allele origin: germline.

Molecular Genetics Laboratory, London Health Sciences Centre
Classification: Uncertain significance for Charcot-Marie-Tooth disease. Review status: criteria provided, single submitter. Criteria: ACMG Guidelines, 2015. Collection method: clinical testing. Allele origin: germline. Affected: yes.

PreventionGenetics, part of Exact Sciences
Classification: Likely benign for KIF1B-related condition. Last evaluated: 2023-01-26. Review status: no assertion criteria provided. Collection method: clinical testing. Allele origin: germline. Not counted in ClinVar's aggregate classification.
Comment: This variant is classified as likely benign based on ACMG/AMP sequence variant interpretation guidelines (Richards et al. 2015 PMID: 25741868, with internal and published modifications).

NM_001365951.3(KIF1B):c.2827G>A (p.Ala943Thr)

Genes: KIF1B (kinesin family member 1B; plus strand), LOC126805614 (BRD4-independent group 4 enhancer GRCh37_chr1:10385546-10386745; plus strand). Cytogenetic location: 1p36.22.
Variant type: single nucleotide variant.
Coding change: c.2827G>A on transcript NM_001365951.3 (MANE Select); coding-DNA position 2827, G replaced by A.
Protein change: p.Ala943Thr; replaces alanine 943 with threonine.
Molecular consequence: missense variant.
Genome position (GRCh38, 1-based): chr1:10,326,262, G>A. VCF-style: chr1-10326262-G-A. GRCh37 (hg19) VCF-style: chr1-10386320-G-A.
Other names: c.2827G>A, p.Ala943Thr (NM_001365952.1); c.2689G>A, p.Ala897Thr (NM_015074.3); short protein forms A897T, A943T.
Identifiers: ClinVar variation 543173 (VCV000543173.16), dbSNP rs142567076, ClinGen allele CA581620.
Genomic context (GRCh38, chr1:10,326,262, plus strand): 5'-CTGGCTGACGAGCAGCAAGATGAGATGGAGGATTTTGATGATGAGGCATTCGTGGATGAC[G>A]CCGGCTCTGACGCAGGGACGGAGGAGGGATCAGATCTCTTCAGTGACGGGCATGACCCGT-3'
Protein context (NP_001352880.1, residues 933-953): DFDDEAFVDD[Ala943Thr]GSDAGTEEGS